The following is an entry in ClinVar:

ClinVar aggregate classification (germline): Uncertain significance (1 of 4 stars; one submission).

Submission:

Ambry Genetics
Classification: Uncertain significance. Last evaluated: 2026-02-28. Review status: criteria provided, single submitter. Criteria: Ambry Variant Classification Scheme 2023. Collection method: clinical testing. Allele origin: germline.
Comment: The p.N1671T variant (also known as c.5012A>C), located in coding exon 44 of the KIF1B gene, results from an A to C substitution at nucleotide position 5012. The asparagine at codon 1671 is replaced by threonine, an amino acid with similar properties. This amino acid position is conserved. In addition, this alteration is predicted to be tolerated by in silico analysis. Based on the available evidence, the clinical significance of this variant remains unclear.

NM_001365951.3(KIF1B):c.5150A>C (p.Asn1717Thr)

Gene: KIF1B (kinesin family member 1B; plus strand). Cytogenetic location: 1p36.22.
Variant type: single nucleotide variant.
Coding change: c.5150A>C on transcript NM_001365951.3 (MANE Select); coding-DNA position 5150, A replaced by C.
Protein change: p.Asn1717Thr; replaces asparagine 1717 with threonine.
Molecular consequence: missense variant.
Genome position (GRCh38, 1-based): chr1:10,374,907, A>C. VCF-style: chr1-10374907-A-C. GRCh37 (hg19) VCF-style: chr1-10434965-A-C.
Other names: c.5150A>C, p.Asn1717Thr (NM_001365952.1); c.5012A>C, p.Asn1671Thr (NM_015074.3); short protein forms N1671T, N1717T.
Identifiers: ClinVar variation 4826088 (VCV004826088.1).
Genomic context (GRCh38, chr1:10,374,907, plus strand): 5'-TTTTTAGCTCAGTGGTCTCTAAGAAAGGATACCTTCATTTCAAGGAGCCTCTTTACAGTA[A>C]CTGGGCTAAACATTTTGTTGTCGTCCGTCGGCCTTATGTCTTCATCTATAACAGTGACAA-3'
Protein context (NP_001352880.1, residues 1707-1727): YLHFKEPLYS[Asn1717Thr]WAKHFVVVRR